The following is an entry in ClinVar:

ClinVar aggregate classification (germline): Pathogenic (1 of 4 stars; one submission).

Submission:

Labcorp Genetics (formerly Invitae), Labcorp
Classification: Pathogenic. Last evaluated: 2021-08-13. Review status: criteria provided, single submitter. Criteria: Invitae Variant Classification Sherloc (09022015). Collection method: clinical testing. Allele origin: germline.
Comment: This sequence change creates a premature translational stop signal (p.Arg1038Glufs*26) in the ERCC6 gene. It is expected to result in an absent or disrupted protein product. Loss-of-function variants in ERCC6 are known to be pathogenic (PMID: 18628313, 29572252). This variant is not present in population databases (ExAC no frequency). This variant has not been reported in the literature in individuals affected with ERCC6-related conditions. For these reasons, this variant has been classified as Pathogenic.

Literature cited by the submitters: PubMed 18628313; PubMed 29572252.

NM_000124.4(ERCC6):c.3112del (p.Arg1038fs)

Gene: ERCC6 (ERCC excision repair 6, chromatin remodeling factor; minus strand). Cytogenetic location: 10q11.23.
Variant type: Deletion.
Coding change: c.3112del on transcript NM_000124.4 (MANE Select); coding-DNA position 3112, one base deleted (A; older notation c.3112delA).
Protein change: p.Arg1038fs; shifts the reading frame from arginine 1038.
Molecular consequence: frameshift variant.
Genome position (GRCh38, 1-based): chr10:49,470,848, T deleted on the plus strand (A on the coding strand, the reverse complement: ERCC6 is on the minus strand); the first of 5 consecutive T bases (chr10:49,470,848-49,470,852); deleting any one gives the same sequence. VCF-style (leftmost placement, unchanged base first): chr10-49470847-CT-C. GRCh37 (hg19) VCF-style: chr10-50678893-CT-C.
Other names: c.3112del, p.Arg1038fs (NM_001346440.2); short protein forms R1038fs.
Identifiers: ClinVar variation 1458378 (VCV001458378.6), dbSNP rs2132537738, ClinGen allele CA2573145164.
Genomic context (GRCh38, chr10:49,470,847, plus strand): 5'-GCAGGGAACTTCTTGCGTTTTGGAACATCATGGTCTGCTCCAAAGGCTGGTTGAATCCTT[CT>C]TTTTAGATGGCATTTGGGTGTCTGAACATCTGATCCAGTTCCTGTAAAGAGGAAAAACAC-3'